The following is an entry in ClinVar:

NM_004329.3(BMPR1A):c.1151C>T (p.Ala384Val)

Gene: BMPR1A (bone morphogenetic protein receptor type 1A; plus strand). Cytogenetic location: 10q23.2.
Variant type: single nucleotide variant.
Coding change: c.1151C>T on transcript NM_004329.3 (MANE Select); coding-DNA position 1151, C replaced by T.
Protein change: p.Ala384Val; replaces alanine 384 with valine.
Molecular consequence: missense variant. On other transcripts: non-coding transcript variant (3).
Genome position (GRCh38, 1-based): chr10:86,919,454, C>T. VCF-style: chr10-86919454-C-T. GRCh37 (hg19) VCF-style: chr10-88679211-C-T.
Other names: c.1151C>T, p.Ala384Val (NM_001406580.1, NM_001406581.1, NM_001406582.1 and 19 more transcripts); c.1145C>T, p.Ala382Val (NM_001406583.1); c.1067C>T, p.Ala356Val (NM_001406584.1, NM_001406585.1, NM_001406586.1 and 2 more transcripts); c.809C>T, p.Ala270Val (NM_001406589.1); c.1226C>T, p.Ala409Val (NM_001406559.1); c.1199C>T, p.Ala400Val (NM_001406560.1); short protein forms A270V, A409V, A384V, A400V, A356V, A382V.
Identifiers: ClinVar variation 2774812 (VCV002774812.6), dbSNP rs2133594160, ClinGen allele CA377461289.

ClinVar aggregate classification (germline): Uncertain significance. Review status: criteria provided, multiple submitters, no conflicts (2 of 4 stars). 3 submissions from 3 submitters: Uncertain significance (3). Last evaluated 2026-08-18.

Conditions:
Juvenile polyposis syndrome (JPS). Identifiers: Orphanet 2929, MedGen C0345893, MONDO:0017380, OMIM 174900.
Hereditary cancer-predisposing syndrome. Also called: Hereditary Cancer Syndrome; Hereditary neoplastic syndrome; Neoplastic Syndromes, Hereditary; Tumor predisposition. Identifiers: Orphanet 140162, MedGen C0027672, MeSH D009386, MONDO:0015356.

Submissions (3):

Ambry Genetics
Classification: Uncertain significance for Hereditary cancer-predisposing syndrome. Last evaluated: 2026-08-18. Review status: criteria provided, single submitter. Criteria: Ambry Variant Classification Scheme 2023. Collection method: clinical testing. Allele origin: germline.
Comment: The p.A384V variant (also known as c.1151C>T), located in coding exon 8 of the BMPR1A gene, results from a C to T substitution at nucleotide position 1151. The alanine at codon 384 is replaced by valine, an amino acid with similar properties. This amino acid position is highly conserved in available vertebrate species. In addition, this alteration is predicted to be deleterious by in silico analysis. Based on the available evidence, the clinical significance of this variant remains unclear.

Labcorp Genetics (formerly Invitae), Labcorp
Classification: Uncertain significance for Juvenile polyposis syndrome. Last evaluated: 2025-01-14. Review status: criteria provided, single submitter. Criteria: Invitae Variant Classification Sherloc (09022015). Collection method: clinical testing. Allele origin: germline.
Comment: This sequence change replaces alanine, which is neutral and non-polar, with valine, which is neutral and non-polar, at codon 384 of the BMPR1A protein (p.Ala384Val). This variant is not present in population databases (gnomAD no frequency). This variant has not been reported in the literature in individuals affected with BMPR1A-related conditions. ClinVar contains an entry for this variant (Variation ID: 2774812). Invitae Evidence Modeling of protein sequence and biophysical properties (such as structural, functional, and spatial information, amino acid conservation, physicochemical variation, residue mobility, and thermodynamic stability) has been performed for this missense variant. However, the output from this modeling did not meet the statistical confidence thresholds required to predict the impact of this variant on BMPR1A protein function. In summary, the available evidence is currently insufficient to determine the role of this variant in disease. Therefore, it has been classified as a Variant of Uncertain Significance.

Color Diagnostics, LLC DBA Color Health
Classification: Uncertain significance for Hereditary cancer-predisposing syndrome. Last evaluated: 2024-03-06. Review status: criteria provided, single submitter. Criteria: ACMG Guidelines, 2015. Collection method: clinical testing. Allele origin: germline.
Comment: This missense variant replaces alanine with valine at codon 384 of the BMPR1A protein. Computational prediction suggests that this variant may have deleterious impact on protein structure and function (internally defined REVEL score threshold >= 0.7, PMID: 27666373). To our knowledge, functional studies have not been reported for this variant. This variant has not been reported in individuals affected with BMPR1A-related disorders in the literature. This variant has not been identified in the general population by the Genome Aggregation Database (gnomAD). The available evidence is insufficient to determine the role of this variant in disease conclusively. Therefore, this variant is classified as a Variant of Uncertain Significance.